The following is an entry in ClinVar:

NM_030943.4(AMN):c.58del (p.Val20fs)

Gene: AMN (amnion associated transmembrane protein; plus strand). Cytogenetic location: 14q32.32.
Variant type: Deletion.
Coding change: c.58del on transcript NM_030943.4 (MANE Select); coding-DNA position 58, one base deleted (G; older notation c.58delG).
Protein change: p.Val20fs; shifts the reading frame from valine 20.
Molecular consequence: frameshift variant.
Genome position (GRCh38, 1-based): chr14:102,923,725, G deleted; the last of 2 consecutive G bases (chr14:102,923,724-102,923,725); deleting either gives the same sequence. VCF-style (leftmost placement, unchanged base first): chr14-102923723-CG-C. GRCh37 (hg19) VCF-style: chr14-103390060-CG-C.
Other names: c.-105delG (NM_001425246.1); short protein forms V20fs.
Identifiers: ClinVar variation 2831212 (VCV002831212.3), dbSNP rs1566825424, ClinGen allele CA616398229.
Genomic context (GRCh38, chr14:102,923,723, plus strand): 5'-GGGAGCATCCCGGAGAGCATCCCGGGCACTCAGTCGCCTCCTCCCCAGCACTGACCCAGG[CG>C]GTCTCCAAACTCTGGGTCCCCAACACGGACTTCGACGTCGCAGCCAACTGGAGCCAGAAC-3'

ClinVar aggregate classification (germline): Pathogenic (1 of 4 stars; one submission).

Conditions:
Imerslund-Grasbeck syndrome. Also called: Megaloblastic anemia due to inborn errors of metabolism; PERNICIOUS ANEMIA, JUVENILE, DUE TO SELECTIVE INTESTINAL MALABSORPTION OF VITAMIN B12, WITH PROTEINURIA; ENTEROCYTE COBALAMIN MALABSORPTION; ENTEROCYTE INTRINSIC FACTOR RECEPTOR, DEFECT OF; Imerslund-Gräsbeck syndrome. Identifiers: Orphanet 35858, MedGen C4551825, MONDO:0009853.

Submission:

Labcorp Genetics (formerly Invitae), Labcorp
Classification: Pathogenic for Imerslund-Grasbeck syndrome. Last evaluated: 2023-06-01. Review status: criteria provided, single submitter. Criteria: Invitae Variant Classification Sherloc (09022015). Collection method: clinical testing. Allele origin: germline.
Comment: For these reasons, this variant has been classified as Pathogenic. This sequence change creates a premature translational stop signal (p.Val20Serfs*179) in the AMN gene. It is expected to result in an absent or disrupted protein product. Loss-of-function variants in AMN are known to be pathogenic (PMID: 12590260, 22929189). This variant is present in population databases (no rsID available, gnomAD 0.0009%). This variant has not been reported in the literature in individuals affected with AMN-related conditions.

Literature cited by the submitters: PubMed 12590260; PubMed 22929189.